The following is an entry in ClinVar:

ClinVar aggregate classification (germline): Benign. Review status: criteria provided, multiple submitters, no conflicts (2 of 4 stars). 2 submissions from 2 submitters: Benign (2). Last evaluated 2018-06-19.

Allele frequency attached by ClinVar (database versions not stated): 1000 Genomes Project 30x 0.02139; 1000 Genomes Project 0.02256; TOPMed 0.03597.
gnomAD v4.1: 11,372 of 255,684 alleles (4.4%); highest among the groups gnomAD compares: Non-Finnish European, 5.6%; 379 homozygotes.

Submissions (2):

GeneDx
Classification: Benign. Last evaluated: 2018-06-19. Review status: criteria provided, single submitter. Criteria: GeneDx Variant Classification (06012015). Collection method: clinical testing. Allele origin: germline. Affected: yes.
Comment: This variant is considered likely benign or benign based on one or more of the following criteria: it is a conservative change, it occurs at a poorly conserved position in the protein, it is predicted to be benign by multiple in silico algorithms, and/or has population frequency not consistent with disease.

Breakthrough Genomics
Classification: Benign. Review status: criteria provided, single submitter. Criteria: ACMG Guidelines, 2015. Collection method: not provided. Allele origin: germline. Inheritance: Autosomal recessive inheritance. Affected: yes.

NM_001605.3(AARS1):c.479+246T>A

Gene: AARS1 (alanyl-tRNA synthetase 1; minus strand). Cytogenetic location: 16q22.1.
Variant type: single nucleotide variant.
Coding change: c.479+246T>A on transcript NM_001605.3 (MANE Select); 246 bases into the intron after coding-DNA position 479, T replaced by A.
Molecular consequence: intron variant.
Genome position (GRCh38, 1-based): chr16:70,276,240, A>T on the plus strand (T>A on the coding strand, the complement: AARS1 is on the minus strand). VCF-style: chr16-70276240-A-T. GRCh37 (hg19) VCF-style: chr16-70310143-A-T.
Identifiers: ClinVar variation 672497 (VCV000672497.2), dbSNP rs117626545, ClinGen allele CA283448754.